The following is an entry in ClinVar:

ClinVar aggregate classification (germline): Uncertain significance (1 of 4 stars; one submission).

Conditions:
Mitochondrial complex II deficiency, nuclear type 1. Also called: SUCCINATE CoQ REDUCTASE DEFICIENCY. Identifiers: Orphanet 3208, MedGen C5700310, MONDO:0100294, OMIM 252011.
Pheochromocytoma/paraganglioma syndrome 5. Also called: Paragangliomas 5; SDHA-Related Hereditary Paraganglioma-Pheochromocytoma Syndrome. Identifiers: Orphanet 29072, MedGen C3279992, MONDO:0013602, OMIM 614165.

Submission:

Labcorp Genetics (formerly Invitae), Labcorp
Classification: Uncertain significance for Pheochromocytoma/paraganglioma syndrome 5; Mitochondrial complex II deficiency, nuclear type 1. Last evaluated: 2025-02-26. Review status: criteria provided, single submitter. Criteria: Invitae Variant Classification Sherloc (09022015). Collection method: clinical testing. Allele origin: germline.
Comment: This variant, c.634_636del, results in the deletion of 1 amino acid(s) of the SDHA protein (p.Asp212del), but otherwise preserves the integrity of the reading frame. This variant is not present in population databases (gnomAD no frequency). This variant has not been reported in the literature in individuals affected with SDHA-related conditions. In summary, the available evidence is currently insufficient to determine the role of this variant in disease. Therefore, it has been classified as a Variant of Uncertain Significance.

NM_004168.4(SDHA):c.634_636del (p.Asp212del)

Gene: SDHA (succinate dehydrogenase complex flavoprotein subunit A; plus strand). Cytogenetic location: 5p15.33.
Variant type: Deletion.
Coding change: c.634_636del on transcript NM_004168.4 (MANE Select); coding-DNA positions 634 to 636, 3 bases deleted (GAT; older notation c.634_636delGAT).
Protein change: p.Asp212del; deletes aspartic acid 212.
Genome position (GRCh38, 1-based): chr5:228,197-228,199, GAT deleted; deleting any 3 consecutive bases within chr5:228,195-228,199 gives the same sequence; the c. name uses the placement nearest the transcript's 3' end. VCF-style (leftmost placement, unchanged base first): chr5-228194-TATG-T. GRCh37 (hg19) VCF-style: chr5-228309-TATG-T.
Other names: c.490_492del, p.Asp164del (NM_001294332.2); c.634_636del, p.Asp212del (NM_001330758.2); short protein forms D164del, D212del.
Identifiers: ClinVar variation 4795020 (VCV004795020.1).